The following is an entry in ClinVar:

ClinVar aggregate classification (germline): Uncertain significance (1 of 4 stars; one submission).

Conditions:
Intellectual developmental disorder, X-linked 99. Also called: Intellectual disability, X-linked 99. Identifiers: Orphanet 777, MedGen C3806746, MONDO:0010487, OMIM 300919.

Submission:

Victorian Clinical Genetics Services, Murdoch Childrens Research Institute
Classification: Uncertain significance for Intellectual developmental disorder, X-linked 99. Last evaluated: 2021-05-06. Review status: criteria provided, single submitter. Criteria: ACMG Guidelines, 2015. Collection method: clinical testing. Allele origin: germline. Affected: yes.
Comment: Based on the classification scheme VCGS_Germline_v1.3.4, this variant is classified as VUS-3B. Following criteria are met: 0102 - Loss of function is a known mechanism of disease in this gene and is associated with X-linked intellectual disability 99 (MIM#300919) and X-linked intellectual disability 99, syndromic, female restricted (MIM#300968). (I) 0108 - This gene is associated with both X-linked recessive and X-linked dominant disease. Partial loss of function variants are thought to result in X-linked recessive disease, predominantly in males, while more complete loss of function variants appear to be restricted to affected females in an X-linked dominant pattern (PMID: 31443933, 26833328). (I) 0200 - Variant is predicted to result in a missense amino acid change from leucine to phenylalanine. (I) 0253 - This variant is hemizygous. (I) 0301 - Variant is absent from gnomAD (both v2 and v3). (SP) 0502 - Missense variant with conflicting in silico predictions and uninformative conservation. (I) 0604 - Variant is not located in an established domain, motif, hotspot or informative constraint region. (I) 0705 - No comparable missense variants have previous evidence for pathogenicity. (I) 0807 - This variant has no previous evidence of pathogenicity. (I) 0905 - No published segregation evidence has been identified for this variant. (I) 1007 - No published functional evidence has been identified for this variant. (I) Legend: (SP) - Supporting pathogenic, (I) - Information, (SB) - Supporting benign

Literature cited by the submitters: PubMed 26833328; PubMed 31443933.

NM_001039591.3(USP9X):c.3106C>T (p.Leu1036Phe)

Gene: USP9X (ubiquitin specific peptidase 9 X-linked; plus strand). Cytogenetic location: Xp11.4.
Variant type: single nucleotide variant.
Coding change: c.3106C>T on transcript NM_001039591.3 (MANE Select); coding-DNA position 3106, C replaced by T.
Protein change: p.Leu1036Phe; replaces leucine 1036 with phenylalanine.
Molecular consequence: missense variant.
Genome position (GRCh38, 1-based): chrX:41,171,916, C>T. VCF-style: chrX-41171916-C-T. GRCh37 (hg19) VCF-style: chrX-41031169-C-T.
Other names: c.3106C>T, p.Leu1036Phe (NM_001039590.3); c.3121C>T, p.Leu1041Phe (NM_001410748.1, NM_001410749.1); short protein forms L1036F, L1041F.
Identifiers: ClinVar variation 3376684 (VCV003376684.1).
Genomic context (GRCh38, chrX:41,171,916, plus strand): 5'-AGATACATCTCTTTTCTTTGGCAAGTTGCAGACTTAGGTAGCAGCCTAAATATGCCACCC[C>T]TTAGAGATGGAGCAAGAGTACTTATGAAACTTATGCCGCCAGGTAAGAATTTTTAAATGA-3'
Protein context (NP_001034680.2, residues 1026-1046): DLGSSLNMPP[Leu1036Phe]RDGARVLMKL